The following is an entry in ClinVar:

ClinVar aggregate classification (germline): Uncertain significance (1 of 4 stars; one submission).

Submission:

Institute for Human Genetics, University Hospital Essen
Classification: Uncertain significance. Last evaluated: 2025-11-27. Review status: criteria provided, single submitter. Criteria: Submitter's publication. Collection method: clinical testing. Allele origin: de novo. Inheritance: Autosomal unknown. Affected: yes. Observed: 1 variant allele, 1 heterozygote.
Comment: PS2_supp, PM2_supp (criteria rationale detailed in Leitão et al. Nature Genetics 2026)

NR_199791.1(RNU2-2):n.109A>T

Genes: RNU2-2 (RNA, U2 small nuclear 2; minus strand), WDR74 (WD repeat domain 74; minus strand). Cytogenetic location: 11q12.3.
Variant type: single nucleotide variant.
Molecular consequence: non-coding transcript variant (on NR_199791.1). On other transcripts: 5 prime UTR variant (1).
Genome position: GRCh38 VCF-style: chr11-62841701-T-A. GRCh37 (hg19) VCF-style: chr11-62609173-T-A.
Other names: c.-430A>T (NM_001369451.1).
Identifiers: ClinVar variation 4540509 (VCV004540509.1).